The following is an entry in ClinVar:

ClinVar aggregate classification (germline): Conflicting classifications of pathogenicity. Review status: criteria provided, conflicting classifications (1 of 4 stars). 7 submissions from 6 submitters: Uncertain significance (3); Benign (2); Likely benign (1). 1 of the submissions does not count toward it. Last evaluated 2025-08-03.

Conditions:
Wagner disease. Also called: WAGNER VITREORETINAL DEGENERATION; Wagner Vitreoretinal Degeneration (Wagner Synrdome); Wagner syndrome; HYALOIDEORETINAL DEGENERATION OF WAGNER; WAGNER VITREORETINOPATHY; WAGNER SYNDROME 1. Identifiers: Orphanet 898, MedGen C1840452, MONDO:0007740, OMIM 143200.
VCAN-related disorder. Also called: VCAN-related condition.
Inborn genetic diseases. Identifiers: MedGen C0950123, MeSH D030342.
Vitreoretinopathy. Also called: Vitreoretinal degeneration. Identifiers: MedGen C0344290, MONDO:0020248, HP:0007773.

Allele frequency attached by ClinVar (database versions not stated): ExAC 0.00007; gnomAD 0.00009 and 0.00011; gnomAD exomes 0.00010 and 0.00012; TOPMed 0.00010; ESP Exome Variant Server 0.00023.
gnomAD v4.1: 191 of 1,613,976 alleles (0.012%); highest among the groups gnomAD compares: Non-Finnish European, 0.015%; no homozygotes.

Submissions (7):

Labcorp Genetics (formerly Invitae), Labcorp
Classification: Uncertain significance. Last evaluated: 2025-08-03. Review status: criteria provided, single submitter. Criteria: Invitae Variant Classification Sherloc (09022015). Collection method: clinical testing. Allele origin: germline.
Comment: This sequence change replaces serine, which is neutral and polar, with phenylalanine, which is neutral and non-polar, at codon 1830 of the VCAN protein (p.Ser1830Phe). This variant is present in population databases (rs141725839, gnomAD 0.02%). This variant has not been reported in the literature in individuals affected with VCAN-related conditions. ClinVar contains an entry for this variant (Variation ID: 907400). An algorithm developed to predict the effect of missense changes on protein structure and function outputs the following: PolyPhen-2: "Benign". The phenylalanine amino acid residue is found in multiple mammalian species, which suggests that this missense change does not adversely affect protein function. In summary, the available evidence is currently insufficient to determine the role of this variant in disease. Therefore, it has been classified as a Variant of Uncertain Significance.

Ambry Genetics
Classification: Uncertain significance for Inborn genetic diseases. Last evaluated: 2025-04-09. Review status: criteria provided, single submitter. Criteria: Ambry Variant Classification Scheme 2023. Collection method: clinical testing. Allele origin: germline.

Blueprint Genetics
Classification: Likely benign. Last evaluated: 2024-06-20. Review status: criteria provided, single submitter. Criteria: ACMG Guidelines, 2015. Collection method: clinical testing. Allele origin: germline.

Revvity Omics, Revvity
Classification: Uncertain significance for Wagner disease. Last evaluated: 2021-11-30. Review status: criteria provided, single submitter. Criteria: ACMG Guidelines, 2015. Collection method: clinical testing. Allele origin: germline.

Illumina Laboratory Services, Illumina
Classification: Benign for Wagner disease. Last evaluated: 2018-03-06. Review status: criteria provided, single submitter. Criteria: ICSL Variant Classification Criteria 13 December 2019. Collection method: clinical testing. Allele origin: germline.
Comment: This variant was observed in the ICSL laboratory as part of a predisposition screen in an ostensibly healthy population. It had not been previously curated by ICSL or reported in the Human Gene Mutation Database (HGMD: prior to June 1st, 2018), and was therefore a candidate for classification through an automated scoring system. Utilizing variant allele frequency, disease prevalence and penetrance estimates, and inheritance mode, an automated score was calculated to assess if this variant is too frequent to cause the disease. Based on the score and internal cut-off values, a variant classified as benign is not then subjected to further curation. The score for this variant resulted in a classification of benign for this disease.

Illumina Laboratory Services, Illumina
Classification: Benign for Vitreoretinopathy. Last evaluated: 2018-03-06. Review status: criteria provided, single submitter. Criteria: ICSL Variant Classification Criteria 13 December 2019. Collection method: clinical testing. Allele origin: germline.
Comment: the same text as in the submission from Illumina Laboratory Services, Illumina above.

PreventionGenetics, part of Exact Sciences
Classification: Uncertain significance for VCAN-related condition. Last evaluated: 2024-02-12. Review status: no assertion criteria provided. Collection method: clinical testing. Allele origin: germline. Not counted in ClinVar's aggregate classification.
Comment: The VCAN c.5489C>T variant is predicted to result in the amino acid substitution p.Ser1830Phe. To our knowledge, this variant has not been reported in the literature. This variant is reported in 0.020% of alleles in individuals of Latino descent in gnomAD. Although we suspect that this variant may be benign, the clinical significance of this variant is classified as uncertain at this time due to insufficient functional and genetic evidence.

NM_004385.5(VCAN):c.5489C>T (p.Ser1830Phe)

Genes: VCAN (versican; plus strand), VCAN-AS1 (VCAN antisense RNA 1; minus strand). Cytogenetic location: 5q14.3.
Variant type: single nucleotide variant.
Coding change: c.5489C>T on transcript NM_004385.5 (MANE Select); coding-DNA position 5489, C replaced by T.
Protein change: p.Ser1830Phe; replaces serine 1830 with phenylalanine.
Molecular consequence: missense variant. On other transcripts: intron variant (2).
Genome position (GRCh38, 1-based): chr5:83,538,492, C>T. VCF-style: chr5-83538492-C-T. GRCh37 (hg19) VCF-style: chr5-82834311-C-T.
Other names: c.2528C>T, p.Ser843Phe (NM_001164097.2); c.4004-7045C>T (NM_001164098.2); c.1043-7045C>T (NM_001126336.3); short protein forms S843F, S1830F.
Identifiers: ClinVar variation 907400 (VCV000907400.17), dbSNP rs141725839, ClinGen allele CA3333335.